The following is an entry in ClinVar:

ClinVar aggregate classification (germline): Uncertain significance. Review status: criteria provided, multiple submitters, no conflicts (2 of 4 stars). 2 submissions from 2 submitters: Uncertain significance (2). Last evaluated 2024-10-23.

Submissions (2):

Labcorp Genetics (formerly Invitae), Labcorp
Classification: Uncertain significance. Last evaluated: 2024-10-23. Review status: criteria provided, single submitter. Criteria: Invitae Variant Classification Sherloc (09022015). Collection method: clinical testing. Allele origin: germline.
Comment: This sequence change replaces glycine, which is neutral and non-polar, with aspartic acid, which is acidic and polar, at codon 351 of the PCARE protein (p.Gly351Asp). This variant is not present in population databases (gnomAD no frequency). This variant has not been reported in the literature in individuals affected with PCARE-related conditions. ClinVar contains an entry for this variant (Variation ID: 1960452). An algorithm developed to predict the effect of missense changes on protein structure and function (PolyPhen-2) suggests that this variant is likely to be disruptive. In summary, the available evidence is currently insufficient to determine the role of this variant in disease. Therefore, it has been classified as a Variant of Uncertain Significance.

Blueprint Genetics
Classification: Uncertain significance. Last evaluated: 2019-08-29. Review status: criteria provided, single submitter. Criteria: ACMG Guidelines, 2015. Collection method: clinical testing. Allele origin: germline.

NM_001029883.3(PCARE):c.1052G>A (p.Gly351Asp)

Gene: PCARE (photoreceptor cilium actin regulator; minus strand). Cytogenetic location: 2p23.2.
Variant type: single nucleotide variant.
Coding change: c.1052G>A on transcript NM_001029883.3 (MANE Select); coding-DNA position 1052, G replaced by A.
Protein change: p.Gly351Asp; replaces glycine 351 with aspartic acid.
Molecular consequence: missense variant.
Genome position (GRCh38, 1-based): chr2:29,073,210, C>T on the plus strand (G>A on the coding strand, the complement: PCARE is on the minus strand). VCF-style: chr2-29073210-C-T. GRCh37 (hg19) VCF-style: chr2-29296076-C-T.
Other names: short protein forms G351D.
Identifiers: ClinVar variation 1960452 (VCV001960452.6), dbSNP rs753807312, ClinGen allele CA346481001.
Genomic context (GRCh38, chr2:29,073,210, plus strand): 5'-CAGCTGGTTTGCTTGCCCAGCTTGTCCACCGACTGCACGGACTCATTGTCAGCACCAATG[C>T]CACTGTCCTCAGAGCATAAGGGGAGACCCTGCACCCCAGGGTCGCCACAGCCACTCGCCA-3'
Protein context (NP_001025054.1, residues 341-361): QGLPLCSEDS[Gly351Asp]IGADNESVQS